The following is an entry in ClinVar:

ClinVar aggregate classification (germline): Uncertain significance. Review status: criteria provided, multiple submitters, no conflicts (2 of 4 stars). 2 submissions from 2 submitters: Uncertain significance (2). Last evaluated 2025-10-16.

gnomAD v4.1: 2 of 1,614,016 alleles (0.00012%); highest among the groups gnomAD compares: Admixed American, 0.0033%; no homozygotes.

Submissions (2):

Women's Health and Genetics/Laboratory Corporation of America, LabCorp
Classification: Uncertain significance. Last evaluated: 2025-10-16. Review status: criteria provided, single submitter. Criteria: LabCorp Variant Classification Summary - May 2015. Collection method: clinical testing. Allele origin: germline.
Comment: Variant summary: GRIN2D c.1427C>T (p.Ala476Val) results in a non-conservative amino acid change in the encoded protein sequence. Algorithms developed to predict the effect of missense changes on protein structure and function are either unavailable or do not agree on the potential impact of this missense change. The variant was absent in 250828 control chromosomes. The available data on variant occurrences in the general population are insufficient to allow any conclusion about variant significance. To our knowledge, no occurrence of c.1427C>T in individuals affected with GRIN2D-related conditions and no experimental evidence demonstrating its impact on protein function have been reported. ClinVar contains an entry for this variant (Variation ID: 3701501). Based on the evidence outlined above, the variant was classified as uncertain significance.

Labcorp Genetics (formerly Invitae), Labcorp
Classification: Uncertain significance. Last evaluated: 2024-09-12. Review status: criteria provided, single submitter. Criteria: Invitae Variant Classification Sherloc (09022015). Collection method: clinical testing. Allele origin: germline.
Comment: This sequence change replaces alanine, which is neutral and non-polar, with valine, which is neutral and non-polar, at codon 476 of the GRIN2D protein (p.Ala476Val). This variant is not present in population databases (gnomAD no frequency). This variant has not been reported in the literature in individuals affected with GRIN2D-related conditions. Invitae Evidence Modeling of protein sequence and biophysical properties (such as structural, functional, and spatial information, amino acid conservation, physicochemical variation, residue mobility, and thermodynamic stability) indicates that this missense variant is not expected to disrupt GRIN2D protein function with a negative predictive value of 80%. In summary, the available evidence is currently insufficient to determine the role of this variant in disease. Therefore, it has been classified as a Variant of Uncertain Significance.

NM_000836.4(GRIN2D):c.1427C>T (p.Ala476Val)

Gene: GRIN2D (glutamate ionotropic receptor NMDA type subunit 2D; plus strand). Cytogenetic location: 19q13.33.
Variant type: single nucleotide variant.
Coding change: c.1427C>T on transcript NM_000836.4 (MANE Select); coding-DNA position 1427, C replaced by T.
Protein change: p.Ala476Val; replaces alanine 476 with valine.
Molecular consequence: missense variant.
Genome position (GRCh38, 1-based): chr19:48,414,878, C>T. VCF-style: chr19-48414878-C-T. GRCh37 (hg19) VCF-style: chr19-48918135-C-T.
Other names: short protein forms A476V.
Identifiers: ClinVar variation 3701501 (VCV003701501.3).